The following is an entry in ClinVar:

NM_000020.3(ACVRL1):c.164_169del (p.Leu55_Val56del)

Gene: ACVRL1 (activin A receptor like type 1; plus strand). Cytogenetic location: 12q13.13.
Variant type: Deletion.
Coding change: c.164_169del on transcript NM_000020.3 (MANE Select); coding-DNA positions 164 to 169, 6 bases deleted (TGGTGC; older notation c.164_169delTGGTGC).
Protein change: p.Leu55_Val56del.
Molecular consequence: inframe deletion. On other transcripts: inframe indel (1), intron variant (1).
Genome position (GRCh38, 1-based): chr12:51,913,201-51,913,206, TGGTGC deleted; deleting any 6 consecutive bases within chr12:51,913,197-51,913,206 gives the same sequence; the c. name uses the placement nearest the transcript's 3' end. VCF-style (leftmost placement, unchanged base first): chr12-51913196-AGTGCTG-A. GRCh37 (hg19) VCF-style: chr12-52306980-AGTGCTG-A.
Other names: c.164_169del6 (NM_000020.2); c.164_169del, p.Leu55_Val56del (NM_001077401.2, NM_001406487.1, NM_001406488.1 and 6 more transcripts); c.61+666_61+671del (NM_001406495.1).
Identifiers: ClinVar variation 4995733 (VCV004995733.1).

ClinVar aggregate classification (germline): Likely pathogenic (1 of 4 stars; one submission).

Conditions:
ACVRL1-related disorder. Also called: ACVRL1-related condition; ACVRL1-related disorders.

Submission:

PreventionGenetics, part of Exact Sciences
Classification: Likely pathogenic for ACVRL1-related condition. Last evaluated: 2026-06-17. Review status: criteria provided, single submitter. Criteria: ACMG Guidelines, 2015. Collection method: clinical testing. Allele origin: germline.
Comment: The ACVRL1 c.164_169del6 variant is predicted to result in an in-frame deletion (p.Leu55_Val56del). This variant has been reported in multiple individuals with hereditary hemorrhagic telangiectasia (HHT) (Olivieri et al. 2006. PubMed ID: 16540754; Canzonieri et al. 2013. PubMed ID: 23722869). This variant has not been reported in a large population database (gnomAD), indicating it is rare. This variant is interpreted as likely pathogenic.